The following is an entry in ClinVar:

NM_001253697.2(ERBIN):c.2500A>C (p.Asn834His)

Gene: ERBIN (erbb2 interacting protein; plus strand). Cytogenetic location: 5q12.3.
Variant type: single nucleotide variant.
Coding change: c.2500A>C on transcript NM_001253697.2 (MANE Select); coding-DNA position 2500, A replaced by C.
Protein change: p.Asn834His; replaces asparagine 834 with histidine.
Molecular consequence: missense variant.
Genome position (GRCh38, 1-based): chr5:66,053,818, A>C. VCF-style: chr5-66053818-A-C. GRCh37 (hg19) VCF-style: chr5-65349646-A-C.
Other names: c.2500A>C, p.Asn834His (NM_001006600.3, NM_001253698.2, NM_001253699.2 and 1 more transcripts); c.2488A>C, p.Asn830His (NM_001253701.2); short protein forms N834H, N830H.
Identifiers: ClinVar variation 1390423 (VCV001390423.6), dbSNP rs1408750700, ClinGen allele CA359867002.

ClinVar aggregate classification (germline): Uncertain significance (1 of 4 stars; one submission).

Allele frequency attached by ClinVar (database versions not stated): gnomAD 0.00001; TOPMed 0.00002.
gnomAD v4.1: 8 of 1,613,936 alleles (0.0005%); highest among the groups gnomAD compares: Admixed American, 0.0067%; no homozygotes.

Submission:

Labcorp Genetics (formerly Invitae), Labcorp
Classification: Uncertain significance. Last evaluated: 2025-10-14. Review status: criteria provided, single submitter. Criteria: Invitae Variant Classification Sherloc (09022015). Collection method: clinical testing. Allele origin: germline.
Comment: This sequence change replaces asparagine, which is neutral and polar, with histidine, which is basic and polar, at codon 834 of the ERBIN protein (p.Asn834His). This variant is present in population databases (no rsID available, gnomAD 0.006%). This variant has not been reported in the literature in individuals affected with ERBIN-related conditions. ClinVar contains an entry for this variant (Variation ID: 1390423). An algorithm developed to predict the effect of missense changes on protein structure and function (PolyPhen-2) suggests that this variant is likely to be tolerated. In summary, the available evidence is currently insufficient to determine the role of this variant in disease. Therefore, it has been classified as a Variant of Uncertain Significance.